The following is an entry in ClinVar:

NM_031372.4(HNRNPDL):c.731C>T (p.Thr244Ile)

Gene: HNRNPDL (heterogeneous nuclear ribonucleoprotein D like; minus strand). Cytogenetic location: 4q21.22.
Variant type: single nucleotide variant.
Coding change: c.731C>T on transcript NM_031372.4 (MANE Select); coding-DNA position 731, C replaced by T.
Protein change: p.Thr244Ile; replaces threonine 244 with isoleucine.
Molecular consequence: missense variant. On other transcripts: non-coding transcript variant (1).
Genome position (GRCh38, 1-based): chr4:82,428,061, G>A on the plus strand (C>T on the coding strand, the complement: HNRNPDL is on the minus strand). VCF-style: chr4-82428061-G-A. GRCh37 (hg19) VCF-style: chr4-83349214-G-A.
Other names: c.731C>T, p.Thr244Ile (NM_001207000.1); short protein forms T244I.
Identifiers: ClinVar variation 3704858 (VCV003704858.2).

ClinVar aggregate classification (germline): Uncertain significance (1 of 4 stars; one submission).

Conditions:
Autosomal dominant limb-girdle muscular dystrophy type 1G (LGMDD3). Also called: Limb-girdle muscular dystrophy, type 1G; MUSCULAR DYSTROPHY, LIMB-GIRDLE, AUTOSOMAL DOMINANT 3. Identifiers: Orphanet 55596, MedGen C1836765, MONDO:0012193, OMIM 609115.

gnomAD v4.1: 4 of 1,614,146 alleles (0.00025%); highest among the groups gnomAD compares: African/African-American, 0.004%; no homozygotes.

Submission:

Labcorp Genetics (formerly Invitae), Labcorp
Classification: Uncertain significance for Autosomal dominant limb-girdle muscular dystrophy type 1G. Last evaluated: 2025-01-06. Review status: criteria provided, single submitter. Criteria: Invitae Variant Classification Sherloc (09022015). Collection method: clinical testing. Allele origin: germline.
Comment: This sequence change replaces threonine, which is neutral and polar, with isoleucine, which is neutral and non-polar, at codon 244 of the HNRNPDL protein (p.Thr244Ile). This variant is present in population databases (rs370573638, gnomAD 0.008%). This variant has not been reported in the literature in individuals affected with HNRNPDL-related conditions. An algorithm developed to predict the effect of missense changes on protein structure and function (PolyPhen-2) suggests that this variant is likely to be tolerated. In summary, the available evidence is currently insufficient to determine the role of this variant in disease. Therefore, it has been classified as a Variant of Uncertain Significance.